The following is an entry in ClinVar:

ClinVar aggregate classification (germline): Uncertain significance (1 of 4 stars; one submission).

Conditions:
Nemaline myopathy 2 (NEM2). Also called: Nemaline myopathy 2, autosomal recessive. Identifiers: MedGen C1850569, MONDO:0009725, OMIM 256030.

Allele frequency attached by ClinVar (database versions not stated): gnomAD exomes below 0.00001.
gnomAD v4.1: 2 of 1,614,000 alleles (0.00012%); highest among the groups gnomAD compares: East Asian, 0.0022%; no homozygotes.

Submission:

Labcorp Genetics (formerly Invitae), Labcorp
Classification: Uncertain significance for Nemaline myopathy 2. Last evaluated: 2022-07-11. Review status: criteria provided, single submitter. Criteria: Invitae Variant Classification Sherloc (09022015). Collection method: clinical testing. Allele origin: germline.
Comment: This sequence change replaces lysine, which is basic and polar, with glutamic acid, which is acidic and polar, at codon 3554 of the NEB protein (p.Lys3554Glu). This variant is not present in population databases (gnomAD no frequency). This variant has not been reported in the literature in individuals affected with NEB-related conditions. ClinVar contains an entry for this variant (Variation ID: 465430). Algorithms developed to predict the effect of missense changes on protein structure and function are either unavailable or do not agree on the potential impact of this missense change (SIFT: "Deleterious"; PolyPhen-2: "Not Available"; Align-GVGD: "Class C0"). In summary, the available evidence is currently insufficient to determine the role of this variant in disease. Therefore, it has been classified as a Variant of Uncertain Significance.

NM_001164508.2(NEB):c.10660A>G (p.Lys3554Glu)

Gene: NEB (nebulin; minus strand). Cytogenetic location: 2q23.3.
Variant type: single nucleotide variant.
Coding change: c.10660A>G on transcript NM_001164508.2 (MANE Select); coding-DNA position 10660, A replaced by G.
Protein change: p.Lys3554Glu; replaces lysine 3554 with glutamic acid.
Molecular consequence: missense variant.
Genome position (GRCh38, 1-based): chr2:151,619,663, T>C on the plus strand (A>G on the coding strand, the complement: NEB is on the minus strand). VCF-style: chr2-151619663-T-C. GRCh37 (hg19) VCF-style: chr2-152476177-T-C.
Other names: c.10660A>G, p.Lys3554Glu (NM_001164507.2, NM_001271208.2); c.9931A>G, p.Lys3311Glu (NM_004543.5); short protein forms K3554E, K3311E.
Identifiers: ClinVar variation 465430 (VCV000465430.6), dbSNP rs1553912139, ClinGen allele CA348788477.